The following is an entry in ClinVar:

ClinVar aggregate classification (germline): Benign/Likely benign. Review status: criteria provided, multiple submitters, no conflicts (2 of 4 stars). 4 submissions from 4 submitters: Benign (1); Likely benign (1). 2 of the submissions do not count toward it. Last evaluated 2026-01-27.

Conditions:
SACS-related disorder. Also called: SACS-related condition.
Spastic paraplegia. Identifiers: MedGen C0037772, HP:0001258.
Charlevoix-Saguenay spastic ataxia (SACS). Also called: SPASTIC ATAXIA 6, AUTOSOMAL RECESSIVE; Spastic ataxia of Charlevoix-Saguenay; AUTOSOMAL RECESSIVE SPASTIC ATAXIA OF CHARLEVOIX-SAGUENAY. Identifiers: Orphanet 98, MedGen C1849140, MONDO:0010041, OMIM 270550.

Allele frequency attached by ClinVar (database versions not stated): gnomAD exomes 0.00003 and 0.00008; 1000 Genomes Project 30x 0.00016; 1000 Genomes Project 0.00020; gnomAD 0.00020 and 0.00023; TOPMed 0.00020; ESP Exome Variant Server 0.00031.
gnomAD v4.1: 91 of 1,613,554 alleles (0.0056%); highest among the groups gnomAD compares: African/African-American, 0.073%; no homozygotes.

Submissions (4):

Labcorp Genetics (formerly Invitae), Labcorp
Classification: Likely benign for Spastic paraplegia. Last evaluated: 2026-01-27. Review status: criteria provided, single submitter. Criteria: Invitae Variant Classification Sherloc (09022015). Collection method: clinical testing. Allele origin: germline.

Athena Diagnostics
Classification: Benign. Last evaluated: 2024-06-25. Review status: criteria provided, single submitter. Criteria: Athena Diagnostics Criteria. Collection method: clinical testing. Allele origin: unknown.

Natera, Inc.
Classification: Uncertain significance for Charlevoix-Saguenay type spastic ataxia. Last evaluated: 2020-02-13. Review status: no assertion criteria provided. Collection method: clinical testing. Allele origin: germline. Not counted in ClinVar's aggregate classification.

PreventionGenetics, part of Exact Sciences
Classification: Likely benign for SACS-related condition. Last evaluated: 2019-03-21. Review status: no assertion criteria provided. Collection method: clinical testing. Allele origin: germline. Not counted in ClinVar's aggregate classification.
Comment: This variant is classified as likely benign based on ACMG/AMP sequence variant interpretation guidelines (Richards et al. 2015 PMID: 25741868, with internal and published modifications).

NM_014363.6(SACS):c.1884C>T (p.Pro628=)

Gene: SACS (sacsin molecular chaperone; minus strand). Cytogenetic location: 13q12.12.
Variant type: single nucleotide variant.
Coding change: c.1884C>T on transcript NM_014363.6 (MANE Select); coding-DNA position 1884, C replaced by T.
Protein change: p.Pro628=; no amino-acid change (proline 628 retained).
Molecular consequence: synonymous variant.
Genome position (GRCh38, 1-based): chr13:23,354,728, G>A on the plus strand (C>T on the coding strand, the complement: SACS is on the minus strand). VCF-style: chr13-23354728-G-A. GRCh37 (hg19) VCF-style: chr13-23928867-G-A.
Other names: c.1443C>T, p.Pro481= (NM_001278055.2).
Identifiers: ClinVar variation 699248 (VCV000699248.16), dbSNP rs144468379, ClinGen allele CA6911834.
Genomic context (GRCh38, chr13:23,354,728, plus strand): 5'-AAGCTTTTCTTCAGCACAGCCCAGGTGTGCACACTTCCGCAGCACCTGCCGCACCCACGC[G>A]GGCGTCACCTTCCTCACAGGTGTTGTGCCAGAGGCAGCTGTGAGCTGAACAGCAGCATCC-3'
Protein context (NP_055178.3, residues 618-638): SGTTPVRKVT[Pro628=]AWVRQVLRKC